The following is an entry in ClinVar:

NM_198252.3(GSN):c.126C>T (p.Asp42=)

Gene: GSN (gelsolin; plus strand). Cytogenetic location: 9q33.2.
Variant type: single nucleotide variant.
Coding change: c.126C>T on transcript NM_198252.3 (MANE Select); coding-DNA position 126, C replaced by T.
Protein change: p.Asp42=; no amino-acid change (aspartic acid 42 retained).
Molecular consequence: synonymous variant. On other transcripts: intron variant (1).
Genome position (GRCh38, 1-based): chr9:121,302,097, C>T. VCF-style: chr9-121302097-C-T. GRCh37 (hg19) VCF-style: chr9-124064375-C-T.
Other names: c.279C>T, p.Asp93= (NM_000177.5); c.126C>T, p.Asp42= (NM_001127662.2, NM_001127664.2, NM_001127665.2 and 10 more transcripts); c.234C>T, p.Asp78= (NM_001127663.2); c.159C>T, p.Asp53= (NM_001127666.2, NM_001127667.2, NM_001353063.2 and 13 more transcripts); c.177C>T, p.Asp59= (NM_001258029.2); c.150C>T, p.Asp50= (NM_001258030.2); c.198C>T, p.Asp66= (NM_001353076.2); c.-458-814C>T (NM_001353078.2).
Identifiers: ClinVar variation 912417 (VCV000912417.13), dbSNP rs200027070, ClinGen allele CA5220770.

ClinVar aggregate classification (germline): Likely benign. Review status: criteria provided, multiple submitters, no conflicts (2 of 4 stars). 3 submissions from 3 submitters: Likely benign (2). 1 of the submissions does not count toward it. Last evaluated 2025-11-05.

Conditions:
Finnish type amyloidosis. Also called: Lattice corneal dystrophy associated with familial systemic amyloidosis; Meretoja's syndrome; Lattice dystrophy of the cornea with hereditary generalized amyloidosis; AMYLOID CRANIAL NEUROPATHY WITH LATTICE CORNEAL DYSTROPHY; AMYLOIDOSIS DUE TO MUTANT GELSOLIN; Amyloidosis, familial, Finnish type. Identifiers: Orphanet 85448, MedGen C1622345, MONDO:0007097, OMIM 105120.
GSN-related disorder. Also called: GSN-related condition.

Allele frequency attached by ClinVar (database versions not stated): ExAC 0.00006; gnomAD exomes 0.00006 and 0.00021; gnomAD 0.00007; TOPMed 0.00007; 1000 Genomes Project 30x 0.00016; 1000 Genomes Project 0.00020.
gnomAD v4.1: 313 of 1,614,196 alleles (0.019%); highest among the groups gnomAD compares: Non-Finnish European, 0.025%; no homozygotes.

Submissions (3):

Labcorp Genetics (formerly Invitae), Labcorp
Classification: Likely benign. Last evaluated: 2025-11-05. Review status: criteria provided, single submitter. Criteria: Invitae Variant Classification Sherloc (09022015). Collection method: clinical testing. Allele origin: germline.

Illumina Laboratory Services, Illumina
Classification: Likely benign for Finnish type amyloidosis. Last evaluated: 2018-01-13. Review status: criteria provided, single submitter. Criteria: ICSL Variant Classification Criteria 13 December 2019. Collection method: clinical testing. Allele origin: germline.
Comment: This variant was observed in the ICSL laboratory as part of a predisposition screen in an ostensibly healthy population. It had not been previously curated by ICSL or reported in the Human Gene Mutation Database (HGMD: prior to June 1st, 2018), and was therefore a candidate for classification through an automated scoring system. Utilizing variant allele frequency, disease prevalence and penetrance estimates, and inheritance mode, an automated score was calculated to assess if this variant is too frequent to cause the disease. Based on the score and internal cut-off values, a variant classified as likely benign is not then subjected to further curation. The score for this variant resulted in a classification of likely benign for this disease.

PreventionGenetics, part of Exact Sciences
Classification: Likely benign for GSN-related condition. Last evaluated: 2019-05-23. Review status: no assertion criteria provided. Collection method: clinical testing. Allele origin: germline. Not counted in ClinVar's aggregate classification.
Comment: This variant is classified as likely benign based on ACMG/AMP sequence variant interpretation guidelines (Richards et al. 2015 PMID: 25741868, with internal and published modifications).